The following is an entry in ClinVar:

NM_000540.3(RYR1):c.4299T>G (p.Tyr1433Ter)

Gene: RYR1 (ryanodine receptor 1; plus strand). Cytogenetic location: 19q13.2.
Variant type: single nucleotide variant.
Coding change: c.4299T>G on transcript NM_000540.3 (MANE Select); coding-DNA position 4299, T replaced by G.
Protein change: p.Tyr1433Ter; replaces tyrosine 1433 with a stop codon.
Molecular consequence: nonsense.
Genome position (GRCh38, 1-based): chr19:38,477,715, T>G. VCF-style: chr19-38477715-T-G. GRCh37 (hg19) VCF-style: chr19-38968355-T-G.
Other names: c.4299T>G, p.Tyr1433Ter (NM_001042723.2); short protein forms Y1433*.
Identifiers: ClinVar variation 1390940 (VCV001390940.6), dbSNP rs765661825, ClinGen allele CA405645650.

ClinVar aggregate classification (germline): Pathogenic (1 of 4 stars; one submission).

Conditions:
RYR1-related disorder. Also called: RYR1-related condition; RYR1-related disorders. Identifiers: MedGen CN239331.

Submission:

Labcorp Genetics (formerly Invitae), Labcorp
Classification: Pathogenic for RYR1-related disorder. Last evaluated: 2020-12-04. Review status: criteria provided, single submitter. Criteria: Invitae Variant Classification Sherloc (09022015). Collection method: clinical testing. Allele origin: germline.
Comment: For these reasons, this variant has been classified as Pathogenic. This variant has not been reported in the literature in individuals with RYR1-related conditions. This variant is not present in population databases (ExAC no frequency). This sequence change creates a premature translational stop signal (p.Tyr1433*) in the RYR1 gene. It is expected to result in an absent or disrupted protein product. Loss-of-function variants in RYR1 are known to be pathogenic (PMID: 20583297, 20839240, 23919265, 28818389).

Literature cited by the submitters: PubMed 20583297; PubMed 20839240; PubMed 23919265; PubMed 28818389.